The following is an entry in ClinVar:

NM_005676.5(RBM10):c.218C>T (p.Ser73Phe)

Gene: RBM10 (RNA binding motif protein 10; plus strand). Cytogenetic location: Xp11.3.
Variant type: single nucleotide variant.
Coding change: c.218C>T on transcript NM_005676.5 (MANE Select); coding-DNA position 218, C replaced by T.
Protein change: p.Ser73Phe; replaces serine 73 with phenylalanine.
Molecular consequence: missense variant. On other transcripts: intron variant (2).
Genome position (GRCh38, 1-based): chrX:47,171,044, C>T. VCF-style: chrX-47171044-C-T. GRCh37 (hg19) VCF-style: chrX-47030443-C-T.
Other names: c.218C>T, p.Ser73Phe (NM_001204467.2); c.413C>T, p.Ser138Phe (NM_001204468.2); c.201+1546C>T (NM_001204466.2, NM_152856.3); short protein forms S138F, S73F.
Identifiers: ClinVar variation 1998793 (VCV001998793.6), dbSNP rs2147134658, ClinGen allele CA412790353.

ClinVar aggregate classification (germline): Uncertain significance. Review status: criteria provided, multiple submitters, no conflicts (2 of 4 stars). 3 submissions from 3 submitters: Uncertain significance (3). Last evaluated 2026-09-14.

Conditions:
RBM10-related disorder. Also called: RBM10-related condition.
Inborn genetic diseases. Identifiers: MedGen C0950123, MeSH D030342.

Allele frequency attached by ClinVar (database versions not stated): gnomAD exomes 0.00001.
gnomAD v4.1: 8 of 1,211,000 alleles (0.00066%); highest among the groups gnomAD compares: Non-Finnish European, 0.00089%; no homozygotes.

Submissions (3):

PreventionGenetics, part of Exact Sciences
Classification: Uncertain significance for RBM10-related condition. Last evaluated: 2026-09-14. Review status: criteria provided, single submitter. Criteria: ACMG Guidelines, 2015. Collection method: clinical testing. Allele origin: germline.
Comment: The RBM10 c.218C>T variant is predicted to result in the amino acid substitution p.Ser73Phe. To our knowledge, this variant has not been reported in the literature or in a large population database (gnomAD v2, as displayed in the table above). However, in gnomAD v4.1.1 (available only on GRCh38), this variant is reported in 2 hemizygous and 6 heterozygous individuals out of 1,211,000 alleles globally. At this time, the clinical significance of this variant is uncertain due to the absence of conclusive functional and genetic evidence.

Ambry Genetics
Classification: Uncertain significance for Inborn genetic diseases. Last evaluated: 2022-11-10. Review status: criteria provided, single submitter. Criteria: Ambry Variant Classification Scheme 2023. Collection method: clinical testing. Allele origin: germline.

Labcorp Genetics (formerly Invitae), Labcorp
Classification: Uncertain significance. Last evaluated: 2022-09-01. Review status: criteria provided, single submitter. Criteria: Invitae Variant Classification Sherloc (09022015). Collection method: clinical testing. Allele origin: germline.
Comment: This sequence change replaces serine, which is neutral and polar, with phenylalanine, which is neutral and non-polar, at codon 73 of the RBM10 protein (p.Ser73Phe). This variant is not present in population databases (gnomAD no frequency). This variant has not been reported in the literature in individuals affected with RBM10-related conditions. Algorithms developed to predict the effect of missense changes on protein structure and function are either unavailable or do not agree on the potential impact of this missense change (SIFT: "Deleterious"; PolyPhen-2: "Probably Damaging"; Align-GVGD: "Class C0"). In summary, the available evidence is currently insufficient to determine the role of this variant in disease. Therefore, it has been classified as a Variant of Uncertain Significance.